The following is an entry in ClinVar:

ClinVar aggregate classification (germline): Pathogenic/Likely pathogenic. Review status: criteria provided, multiple submitters, no conflicts (2 of 4 stars). 2 submissions from 2 submitters: Pathogenic (1); Likely pathogenic (1). Last evaluated 2024-10-20.

Conditions:
Propionic acidemia (PROP). Also called: KETOTIC HYPERGLYCINEMIA; GLYCINEMIA, KETOTIC; HYPERGLYCINEMIA WITH KETOACIDOSIS AND LEUKOPENIA. Identifiers: Orphanet 35, MedGen C0268579, MONDO:0011628, OMIM 606054, HP:0003571.

Allele frequency attached by ClinVar (database versions not stated): gnomAD exomes below 0.00001.
gnomAD v4.1: 6 of 1,609,190 alleles (0.00037%); highest among the groups gnomAD compares: Non-Finnish European, 0.00051%; no homozygotes.

Submissions (2):

Labcorp Genetics (formerly Invitae), Labcorp
Classification: Pathogenic for Propionic acidemia. Last evaluated: 2024-10-20. Review status: criteria provided, single submitter. Criteria: Invitae Variant Classification Sherloc (09022015). Collection method: clinical testing. Allele origin: germline.
Comment: This sequence change creates a premature translational stop signal (p.Arg486*) in the PCCA gene. It is expected to result in an absent or disrupted protein product. Loss-of-function variants in PCCA are known to be pathogenic (PMID: 15464417). This variant is not present in population databases (gnomAD no frequency). This variant has not been reported in the literature in individuals affected with PCCA-related conditions. ClinVar contains an entry for this variant (Variation ID: 1414656). For these reasons, this variant has been classified as Pathogenic.

Natera, Inc.
Classification: Likely pathogenic for Propionic acidemia. Last evaluated: 2024-05-28. Review status: criteria provided, single submitter. Criteria: Natera Variant Classification Schema (03/2026). Collection method: clinical testing. Allele origin: germline.
Comment: The c.1456C>T variant in PCCA is a nonsense variant predicted to introduce a stop codon at amino acid 486. This variant is expected to result in nonsense mediated decay, truncation, or a dysfunctional protein product. This variant is rare in the general population with a frequency below the threshold expected for the associated phenotype(s). Given the available evidence, this variant is classified as Likely Pathogenic.

Literature cited by the submitters: PubMed 15464417 (cited by Labcorp Genetics (formerly Invitae), Labcorp).

NM_000282.4(PCCA):c.1456C>T (p.Arg486Ter)

Gene: PCCA (propionyl-CoA carboxylase subunit alpha; plus strand). Cytogenetic location: 13q32.3.
Variant type: single nucleotide variant.
Coding change: c.1456C>T on transcript NM_000282.4 (MANE Select); coding-DNA position 1456, C replaced by T.
Protein change: p.Arg486Ter; replaces arginine 486 with a stop codon.
Molecular consequence: nonsense. On other transcripts: non-coding transcript variant (5).
Genome position (GRCh38, 1-based): chr13:100,330,587, C>T. VCF-style: chr13-100330587-C-T. GRCh37 (hg19) VCF-style: chr13-100982841-C-T.
Other names: c.1378C>T, p.Arg460Ter (NM_001127692.3, NM_001352607.2); c.1456C>T, p.Arg486Ter (NM_001178004.2, NM_001352605.2, NM_001352609.2); c.1312C>T, p.Arg438Ter (NM_001352606.2); c.1234C>T, p.Arg412Ter (NM_001352608.2); c.511C>T, p.Arg171Ter (NM_001352610.2, NM_001352611.2); c.367C>T, p.Arg123Ter (NM_001352612.2); c.1456C>T (NM_000282.3); short protein forms R486*, R412*, R460*, R123*, R171*, R438*.
Identifiers: ClinVar variation 1414656 (VCV001414656.7), dbSNP rs2069404553, ClinGen allele CA388696101.